The following is an entry in ClinVar:

NM_001005361.3(DNM2):c.2377del (p.Pro792_Leu793insTer)

Gene: DNM2 (dynamin 2; plus strand). Cytogenetic location: 19p13.2.
Variant type: Deletion.
Coding change: c.2377del on transcript NM_001005361.3 (MANE Select); coding-DNA position 2377, one base deleted (C; older notation c.2377delC).
Protein change: p.Pro792_Leu793insTer.
Molecular consequence: nonsense.
Genome position (GRCh38, 1-based): chr19:10,830,212, C deleted; the last of 7 consecutive C bases (chr19:10,830,206-10,830,212); deleting any one gives the same sequence. VCF-style (leftmost placement, unchanged base first): chr19-10830205-GC-G. GRCh37 (hg19) VCF-style: chr19-10940881-GC-G.
Other names: c.2377del, p.Pro792_Leu793insTer (NM_001005360.3, NM_001190716.2); c.2365del, p.Pro788_Leu789insTer (NM_001005362.3, NM_004945.4).
Identifiers: ClinVar variation 1057275 (VCV001057275.7), dbSNP rs764391392, ClinGen allele CA505745318.

ClinVar aggregate classification (germline): Uncertain significance (1 of 4 stars; one submission).

Conditions:
Charcot-Marie-Tooth disease dominant intermediate B (CMTDIB). Also called: CHARCOT-MARIE-TOOTH NEUROPATHY, DOMINANT INTERMEDIATE B; Charcot-Marie-Tooth disease dominant intermediate 1; CMT DI1; Charcot-Marie-Tooth disease dominant intermediate I. Identifiers: Orphanet 100044, Orphanet 228179, MedGen C1847902, MONDO:0011674, OMIM 606482.

Submission:

Labcorp Genetics (formerly Invitae), Labcorp
Classification: Uncertain significance for Charcot-Marie-Tooth disease dominant intermediate B. Last evaluated: 2020-09-03. Review status: criteria provided, single submitter. Criteria: Invitae Variant Classification Sherloc (09022015). Collection method: clinical testing. Allele origin: germline.
Comment: This sequence change creates a premature translational stop signal (p.Leu793*) in the DNM2 gene. It is expected to result in an absent or disrupted protein product. This variant is not present in population databases (ExAC no frequency). This variant has not been reported in the literature in individuals with DNM2-related conditions. The current clinical and genetic evidence is not sufficient to establish whether loss-of-function variants in DNM2 cause disease. In summary, the available evidence is currently insufficient to determine the role of this variant in disease. Therefore, it has been classified as a Variant of Uncertain Significance.